The following is an entry in ClinVar:

ClinVar aggregate classification (germline): Likely benign (0 of 4 stars; one submission).

Conditions:
PKD1-related disorder. Also called: PKD1-related condition.

gnomAD v4.1: 6 of 1,612,604 alleles (0.00037%); highest among the groups gnomAD compares: Admixed American, 0.005%; no homozygotes.

Submission:

PreventionGenetics, part of Exact Sciences
Classification: Likely benign for PKD1-related condition. Last evaluated: 2020-03-25. Review status: no assertion criteria provided. Collection method: clinical testing. Allele origin: germline.
Comment: This variant is classified as likely benign based on ACMG/AMP sequence variant interpretation guidelines (Richards et al. 2015 PMID: 25741868, with internal and published modifications).

NM_001009944.3(PKD1):c.12027G>A (p.Val4009=)

Gene: PKD1 (polycystin 1, transient receptor potential channel interacting; minus strand). Cytogenetic location: 16p13.3.
Variant type: single nucleotide variant.
Coding change: c.12027G>A on transcript NM_001009944.3 (MANE Select); coding-DNA position 12027, G replaced by A.
Protein change: p.Val4009=; no amino-acid change (valine 4009 retained).
Molecular consequence: synonymous variant.
Genome position (GRCh38, 1-based): chr16:2,090,785, C>T on the plus strand (G>A on the coding strand, the complement: PKD1 is on the minus strand). VCF-style: chr16-2090785-C-T. GRCh37 (hg19) VCF-style: chr16-2140786-C-T.
Other names: c.12024G>A, p.Val4008= (NM_000296.4).
Identifiers: ClinVar variation 3047840 (VCV003047840.2), dbSNP rs770344022, ClinGen allele CA493044493.